The following is an entry in ClinVar:

NM_003743.5(NCOA1):c.2376C>G (p.Thr792=)

Gene: NCOA1 (nuclear receptor coactivator 1; plus strand). Cytogenetic location: 2p23.3.
Variant type: single nucleotide variant.
Coding change: c.2376C>G on transcript NM_003743.5 (MANE Select); coding-DNA position 2376, C replaced by G.
Protein change: p.Thr792=; no amino-acid change (threonine 792 retained).
Molecular consequence: synonymous variant.
Genome position (GRCh38, 1-based): chr2:24,707,846, C>G. VCF-style: chr2-24707846-C-G. GRCh37 (hg19) VCF-style: chr2-24930715-C-G.
Other names: c.2376C>G, p.Thr792= (NM_001362950.1, NM_001362952.1, NM_001362954.1 and 3 more transcripts).
Identifiers: ClinVar variation 3350806 (VCV003350806.1).
Genomic context (GRCh38, chr2:24,707,846, plus strand): 5'-GGTGAAAGTGGAAAAGAAAGAACAGATGGATCCATGTAATACAAACCCAACCCCAATGAC[C>G]AAACCCACTCCTGAGGAAATAAAACTGGAGGCCCAGAGCCAGGTGGGTAACTGCTTGCTT-3'
Protein context (NP_003734.3, residues 782-802): DPCNTNPTPM[Thr792=]KPTPEEIKLE

ClinVar aggregate classification (germline): Likely benign (0 of 4 stars; one submission).

Conditions:
NCOA1-related disorder. Also called: NCOA1-related condition.

gnomAD v4.1: 12 of 1,611,204 alleles (0.00074%); highest among the groups gnomAD compares: African/African-American, 0.012%; no homozygotes.

Submission:

PreventionGenetics, part of Exact Sciences
Classification: Likely benign for NCOA1-related condition. Last evaluated: 2020-10-19. Review status: no assertion criteria provided. Collection method: clinical testing. Allele origin: germline.
Comment: This variant is classified as likely benign based on ACMG/AMP sequence variant interpretation guidelines (Richards et al. 2015 PMID: 25741868, with internal and published modifications).